The following is an entry in ClinVar:

ClinVar aggregate classification (germline): Uncertain significance. Review status: criteria provided, multiple submitters, no conflicts (2 of 4 stars). 2 submissions from 2 submitters: Uncertain significance (2). Last evaluated 2026-02-06.

Conditions:
Inborn genetic diseases. Identifiers: MedGen C0950123, MeSH D030342.

gnomAD v4.1: 8 of 1,613,378 alleles (0.0005%); highest among the groups gnomAD compares: African/African-American, 0.0027%; no homozygotes.

Submissions (2):

Women's Health and Genetics/Laboratory Corporation of America, LabCorp
Classification: Uncertain significance. Last evaluated: 2026-02-06. Review status: criteria provided, single submitter. Criteria: LabCorp Variant Classification Summary - May 2015. Collection method: clinical testing. Allele origin: germline.
Comment: Variant summary: APP c.1678G>A (p.Asp560Asn) results in a conservative amino acid change in the encoded protein sequence. Algorithms developed to predict the effect of missense changes on protein structure and function are either unavailable or do not agree on the potential impact of this missense change. The variant allele was found at a frequency of 4e-06 in 250876 control chromosomes. The available data on variant occurrences in the general population are insufficient to allow any conclusion about variant significance. To our knowledge, no occurrence of c.1678G>A in individuals affected with APP-related conditions and no experimental evidence demonstrating its impact on protein function have been reported. ClinVar contains an entry for this variant (Variation ID: 4127986). Based on the evidence outlined above, the variant was classified as uncertain significance.

Ambry Genetics
Classification: Uncertain significance for Inborn genetic diseases. Last evaluated: 2025-08-22. Review status: criteria provided, single submitter. Criteria: Ambry Variant Classification Scheme 2023. Collection method: clinical testing. Allele origin: germline.

Literature cited by the submitters: PubMed 24825865 (cited by Women's Health and Genetics/Laboratory Corporation of America, LabCorp).

NM_000484.4(APP):c.1678G>A (p.Asp560Asn)

Gene: APP (amyloid beta precursor protein; minus strand). Cytogenetic location: 21q21.3.
Variant type: single nucleotide variant.
Coding change: c.1678G>A on transcript NM_000484.4 (MANE Select); coding-DNA position 1678, G replaced by A.
Protein change: p.Asp560Asn; replaces aspartic acid 560 with asparagine.
Molecular consequence: missense variant.
Genome position (GRCh38, 1-based): chr21:25,954,599, C>T on the plus strand (G>A on the coding strand, the complement: APP is on the minus strand). VCF-style: chr21-25954599-C-T. GRCh37 (hg19) VCF-style: chr21-27326913-C-T.
Other names: c.1606G>A, p.Asp536Asn (NM_001136016.3); c.1285G>A, p.Asp429Asn (NM_001136129.3); c.1510G>A, p.Asp504Asn (NM_001136130.3, NM_001385253.1); c.1348G>A, p.Asp450Asn (NM_001136131.3); c.1678G>A, p.Asp560Asn (NM_001204301.2); c.1621G>A, p.Asp541Asn (NM_001204302.2, NM_201413.3); c.1453G>A, p.Asp485Asn (NM_001204303.2, NM_201414.3); short protein forms D485N, D504N, D536N, D541N, D560N, D429N, D450N.
Identifiers: ClinVar variation 4127986 (VCV004127986.3).